The following is an entry in ClinVar:

ClinVar aggregate classification (germline): Conflicting classifications of pathogenicity. Review status: criteria provided, conflicting classifications (1 of 4 stars). 2 submissions from 2 submitters: Uncertain significance (1); Likely benign (1). Last evaluated 2025-09-01.

gnomAD v4.1: 559 of 1,608,892 alleles (0.035%); highest among the groups gnomAD compares: Admixed American, 0.053%; 2 homozygotes.

Submissions (2):

CeGaT Center for Human Genetics Tuebingen
Classification: Likely benign. Last evaluated: 2025-09-01. Review status: criteria provided, single submitter. Criteria: CeGaT Center For Human Genetics Tuebingen Variant Classification Criteria Version 2. Collection method: clinical testing. Allele origin: germline. Affected: yes. Observed: 1 variant allele.
Comment: JAG2: PM2, BS2

Women's Health and Genetics/Laboratory Corporation of America, LabCorp
Classification: Uncertain significance. Last evaluated: 2025-04-15. Review status: criteria provided, single submitter. Criteria: LabCorp Variant Classification Summary - May 2015. Collection method: clinical testing. Allele origin: germline.
Comment: Variant summary: JAG2 c.3470C>T (p.Pro1157Leu) results in a non-conservative amino acid change in the encoded protein sequence. Three of five in-silico tools predict a damaging effect of the variant on protein function. The variant allele was found at a frequency of 0.00032 in 233516 control chromosomes, predominantly at a frequency of 0.00074 within the Latino subpopulation in the gnomAD database. This frequency is not significantly higher than estimated for a pathogenic variant in JAG2 causing Muscular dystrophy, limb-girdle, autosomal recessive 27 (0.00032 vs 0.0011), allowing no conclusion about variant significance. To our knowledge, no occurrence of c.3470C>T in individuals affected with Muscular dystrophy, limb-girdle, autosomal recessive 27 and no experimental evidence demonstrating its impact on protein function have been reported. No submitters have cited clinical-significance assessments for this variant to ClinVar. Based on the evidence outlined above, the variant was classified as uncertain significance.

NM_002226.5(JAG2):c.3470C>T (p.Pro1157Leu)

Gene: JAG2 (jagged canonical Notch ligand 2; minus strand). Cytogenetic location: 14q32.33.
Variant type: single nucleotide variant.
Coding change: c.3470C>T on transcript NM_002226.5 (MANE Select); coding-DNA position 3470, C replaced by T.
Protein change: p.Pro1157Leu; replaces proline 1157 with leucine.
Molecular consequence: missense variant.
Genome position (GRCh38, 1-based): chr14:105,142,942, G>A on the plus strand (C>T on the coding strand, the complement: JAG2 is on the minus strand). VCF-style: chr14-105142942-G-A. GRCh37 (hg19) VCF-style: chr14-105609279-G-A.
Other names: c.3356C>T, p.Pro1119Leu (NM_145159.3); short protein forms P1119L, P1157L.
Identifiers: ClinVar variation 3896259 (VCV003896259.9).
Genomic context (GRCh38, chr14:105,142,942, plus strand): 5'-TCCTCCCTGACGGCCGCGTGGCCGGCCGGCCCGGGCAGCGCCTCGTCCGCCCTGCGCGGC[G>A]GCGGCGTGAAGTTCTTGCACTGGTAGAGCACGTCCTTGTGGCCCCCCGGCCGCTCAATGG-3'
Protein context (NP_002217.3, residues 1147-1167): VLYQCKNFTP[Pro1157Leu]PRRADEALPG